The following is an entry in ClinVar:

NM_015404.4(WHRN):c.75CGG[2] (p.Gly29del)

Gene: WHRN (whirlin; minus strand). Cytogenetic location: 9q32.
Variant type: Microsatellite.
Coding change: c.75CGG[2] on transcript NM_015404.4 (MANE Select); two copies in a row of the 3-base unit CGG starting at c.75; the reference has three copies in a row; one copy, 3 bases deleted; also written c.81_83del.
Protein change: p.Gly29del; deletes glycine 29.
Molecular consequence: inframe deletion.
Genome position (GRCh38, 1-based): chr9:114,504,719-114,504,721, CCG deleted on the plus strand (CGG on the coding strand, the reverse complement: WHRN is on the minus strand); deleting any 3 consecutive bases within chr9:114,504,719-114,504,729 gives the same sequence; the position shown is the placement nearest the transcript's 3' end. VCF-style (leftmost placement, unchanged base first): chr9-114504718-CCCG-C. GRCh37 (hg19) VCF-style: chr9-117266998-CCCG-C.
Other names: c.81_83del (NM_015404.2); c.75CGG[2], p.Gly29del (NM_001173425.2); short protein forms G29del.
Identifiers: ClinVar variation 228565 (VCV000228565.23), dbSNP rs757435431, ClinGen allele CA5206365.

ClinVar aggregate classification (germline): Uncertain significance. Review status: criteria provided, multiple submitters, no conflicts (2 of 4 stars). 5 submissions from 5 submitters: Uncertain significance (5). Last evaluated 2025-04-03.

Submissions (5):

GeneDx
Classification: Uncertain significance. Last evaluated: 2025-04-03. Review status: criteria provided, single submitter. Criteria: GeneDx Variant Classification Process June 2021. Collection method: clinical testing. Allele origin: germline. Affected: yes.
Comment: In-frame deletion of one amino acid in a repetitive region with no known function; Has not been previously published as pathogenic or benign to our knowledge

Labcorp Genetics (formerly Invitae), Labcorp
Classification: Uncertain significance. Last evaluated: 2024-08-08. Review status: criteria provided, single submitter. Criteria: Invitae Variant Classification Sherloc (09022015). Collection method: clinical testing. Allele origin: germline.
Comment: This variant, c.81_83del, results in the deletion of 1 amino acid(s) of the WHRN protein (p.Gly29del), but otherwise preserves the integrity of the reading frame. The frequency data for this variant in the population databases is considered unreliable, as metrics indicate poor data quality at this position in the gnomAD database. This variant has not been reported in the literature in individuals affected with WHRN-related conditions. ClinVar contains an entry for this variant (Variation ID: 228565). Experimental studies and prediction algorithms are not available or were not evaluated, and the functional significance of this variant is currently unknown. In summary, the available evidence is currently insufficient to determine the role of this variant in disease. Therefore, it has been classified as a Variant of Uncertain Significance.

Blueprint Genetics
Classification: Uncertain significance. Last evaluated: 2023-07-11. Review status: criteria provided, single submitter. Criteria: ACMG Guidelines, 2015. Collection method: clinical testing. Allele origin: germline.

ARUP Laboratories, Molecular Genetics and Genomics, ARUP Laboratories
Classification: Uncertain significance. Last evaluated: 2017-05-19. Review status: criteria provided, single submitter. Criteria: ARUP Molecular Germline Variant Investigation Process. Collection method: clinical testing. Allele origin: germline.
Comment: The p.Gly28del variant (rs757435431) has not been reported in the medical literature, nor has it been previously identified in our laboratory; however, it is listed in the ClinVar database as a variant of uncertain significance (Variation ID: 228565). It is listed in the Genome Aggregation Database (gnomAD) browser with an overall frequency of 0.008% (identified in 11 out of 132,060 chromosomes). The p.Gly28del variant is an in-frame contraction of a poly-glycine repeat and is in a region not conserved among species, suggesting this deleted amino acid is not critical for WHRN protein structure/function. However, based on the available information, the clinical significance of the p.Gly28del variant cannot be determined with certainty.

Laboratory for Molecular Medicine, Mass General Brigham Personalized Medicine
Classification: Uncertain significance. Last evaluated: 2016-11-17. Review status: criteria provided, single submitter. Criteria: LMM Criteria. Collection method: clinical testing. Allele origin: germline. Observed: 2 variant alleles.
Comment: Variant classified as Uncertain Significance - Favor Benign. This variant has been identified in 1/356 African chromosomes by the Exome Aggregation Consortium (ExAC; dbSNP rs 757435431); however, this frequency is not high enough to rule out a pathogenic role. The glycine (Gly) residue at position 29 lies in a poly-glycine tract with in the DFNB31 protein, and this variant is predicted to result in an in-frame de letion of a single glycine residue (Gly) within this poly-glycine tract. The reg ion encompassing this poly-glycine tract is not well conserved across species an d several species have an in-frame glycine deletion at this position or nearby g lycine positions, suggesting the variant may not impact the protein. However, th is information is insufficient to rule out pathogenicity. In summary, while the clinical significance of the p.Gly29del variant is uncertain, the conservation d ata suggests that it is more likely to be benign.